The following is an entry in ClinVar:

ClinVar aggregate classification (germline): Conflicting classifications of pathogenicity. Review status: criteria provided, conflicting classifications (1 of 4 stars). 3 submissions from 3 submitters: Uncertain significance (2); Likely benign (1). Last evaluated 2025-10-13.

Conditions:
Hyperprolinemia type 2 (HYRPRO2). Also called: 1-PYRROLINE-5-CARBOXYLATE DEHYDROGENASE DEFICIENCY; Deficiency of pyrroline-5-carboxylate reductase; Delta-1-pyrroline-5-carboxylate dehydrogenase deficiency. Identifiers: Orphanet 79101, MedGen C2931835, MONDO:0009401, OMIM 239510.

Allele frequency attached by ClinVar (database versions not stated): gnomAD exomes 0.00001 and 0.00003; ExAC 0.00002; gnomAD 0.00007; TOPMed 0.00008; 1000 Genomes Project 30x 0.00016; 1000 Genomes Project 0.00020.

Submissions (3):

Labcorp Genetics (formerly Invitae), Labcorp
Classification: Uncertain significance for Hyperprolinemia type 2. Last evaluated: 2025-10-13. Review status: criteria provided, single submitter. Criteria: Invitae Variant Classification Sherloc (09022015). Collection method: clinical testing. Allele origin: germline.
Comment: This sequence change replaces alanine, which is neutral and non-polar, with proline, which is neutral and non-polar, at codon 164 of the ALDH4A1 protein (p.Ala164Pro). This variant is present in population databases (rs369957092, gnomAD 0.04%). This variant has not been reported in the literature in individuals affected with ALDH4A1-related conditions. ClinVar contains an entry for this variant (Variation ID: 294387). An algorithm developed to predict the effect of missense changes on protein structure and function (PolyPhen-2) suggests that this variant is likely to be tolerated. In summary, the available evidence is currently insufficient to determine the role of this variant in disease. Therefore, it has been classified as a Variant of Uncertain Significance.

3billion
Classification: Likely benign for Hyperprolinemia type 2. Last evaluated: 2024-09-20. Review status: criteria provided, single submitter. Criteria: ACMG Guidelines, 2015. Collection method: clinical testing. Allele origin: germline. Affected: no.
Comment: The homozygous variant was found in patients diagnosed with another variant in a different gene, with no symptoms related to the gene containing the homozygous variant.

Illumina Laboratory Services, Illumina
Classification: Uncertain significance for Hyperprolinemia type 2. Last evaluated: 2018-01-13. Review status: criteria provided, single submitter. Criteria: ICSL Variant Classification Criteria 13 December 2019. Collection method: clinical testing. Allele origin: germline.

NM_003748.4(ALDH4A1):c.490G>C (p.Ala164Pro)

Gene: ALDH4A1 (aldehyde dehydrogenase 4 family member A1; minus strand). Cytogenetic location: 1p36.13.
Variant type: single nucleotide variant.
Coding change: c.490G>C on transcript NM_003748.4 (MANE Select); coding-DNA position 490, G replaced by C.
Protein change: p.Ala164Pro; replaces alanine 164 with proline.
Molecular consequence: missense variant.
Genome position (GRCh38, 1-based): chr1:18,883,392, C>G on the plus strand (G>C on the coding strand, the complement: ALDH4A1 is on the minus strand). VCF-style: chr1-18883392-C-G. GRCh37 (hg19) VCF-style: chr1-19209886-C-G.
Other names: c.310G>C, p.Ala104Pro (NM_001161504.2); c.490G>C, p.Ala164Pro (NM_001319218.2, NM_170726.3); short protein forms A164P, A104P.
Identifiers: ClinVar variation 294387 (VCV000294387.10), dbSNP rs369957092, ClinGen allele CA647339.